The following is an entry in ClinVar:

NM_001297719.2(BMAL1):c.1617+5G>A

Gene: BMAL1 (basic helix-loop-helix ARNT like 1; plus strand). Cytogenetic location: 11p15.3.
Variant type: single nucleotide variant.
Coding change: c.1617+5G>A on transcript NM_001297719.2 (MANE Select); 5 bases into the intron after coding-DNA position 1617, G replaced by A.
Molecular consequence: intron variant.
Genome position (GRCh38, 1-based): chr11:13,381,259, G>A. VCF-style: chr11-13381259-G-A. GRCh37 (hg19) VCF-style: chr11-13402806-G-A.
Other names: c.1614+5G>A (NM_001351804.1, NM_001178.6, NM_001030272.3 and 1 more transcripts); c.1566+5G>A (NM_001351812.2, NM_001351809.2); c.1503+5G>A (NM_001351823.2); c.1488+5G>A (NM_001351808.2, NM_001351820.2, NM_001351821.2 and 3 more transcripts); c.1485+5G>A (NM_001351818.2, NM_001030273.3); c.1632+5G>A (NM_001351814.2, NM_001351807.2); c.1500+5G>A (NM_001351813.2); c.867+5G>A (NM_001351811.2); and 5 more.
Identifiers: ClinVar variation 5018100 (VCV005018100.1).

ClinVar aggregate classification (germline): Uncertain significance (1 of 4 stars; one submission).

gnomAD v4.1: 3 of 1,613,680 alleles (0.00019%); highest among the groups gnomAD compares: Non-Finnish European, 0.00025%; no homozygotes.

Submission:

GeneDx
Classification: Uncertain significance. Last evaluated: 2026-04-02. Review status: criteria provided, single submitter. Criteria: GeneDx Variant Classification Process June 2021. Collection method: clinical testing. Allele origin: germline.
Comment: Not observed at significant frequency in large population cohorts (gnomAD); Has not been previously published as pathogenic or benign to our knowledge; In silico analysis is inconclusive as to whether the variant alters gene splicing. In the absence of RNA/functional studies, the actual effect of this sequence change is unknown.